The following is an entry in ClinVar:

ClinVar aggregate classification (germline): Benign/Likely benign. Review status: criteria provided, multiple submitters, no conflicts (2 of 4 stars). 3 submissions from 3 submitters: Benign (1); Likely benign (2). Last evaluated 2025-12-30.

Conditions:
RIN2-related disorder. Also called: RIN2-related condition.

Allele frequency attached by ClinVar (database versions not stated): gnomAD 0.00010 and 0.00029; TOPMed 0.00013; ESP Exome Variant Server 0.00016; 1000 Genomes Project 30x 0.00109; 1000 Genomes Project 0.00120; gnomAD exomes 0.00123; ExAC 0.00175.
gnomAD v4.1: 983 of 1,606,494 alleles (0.061%); highest among the groups gnomAD compares: South Asian, 0.9%; 14 homozygotes.

Submissions (3):

Labcorp Genetics (formerly Invitae), Labcorp
Classification: Benign. Last evaluated: 2025-12-30. Review status: criteria provided, single submitter. Criteria: Invitae Variant Classification Sherloc (09022015). Collection method: clinical testing. Allele origin: germline.

PreventionGenetics, part of Exact Sciences
Classification: Likely benign for RIN2-related condition. Last evaluated: 2025-03-28. Review status: criteria provided, single submitter. Criteria: ACMG Guidelines, 2015. Collection method: clinical testing. Allele origin: germline.
Comment: This variant is classified as likely benign based on ACMG/AMP sequence variant interpretation guidelines (Richards et al. 2015 PMID: 25741868, with internal and published modifications).

GeneDx
Classification: Likely benign. Last evaluated: 2017-11-13. Review status: criteria provided, single submitter. Criteria: GeneDx Variant Classification (06012015). Collection method: clinical testing. Allele origin: germline. Affected: yes.
Comment: This variant is considered likely benign or benign based on one or more of the following criteria: it is a conservative change, it occurs at a poorly conserved position in the protein, it is predicted to be benign by multiple in silico algorithms, and/or has population frequency not consistent with disease.

NM_018993.4(RIN2):c.628+7G>A

Gene: RIN2 (Ras and Rab interactor 2; plus strand). Cytogenetic location: 20p11.23.
Variant type: single nucleotide variant.
Coding change: c.628+7G>A on transcript NM_018993.4 (MANE Select); 7 bases into the intron after coding-DNA position 628, G replaced by A.
Molecular consequence: intron variant.
Genome position (GRCh38, 1-based): chr20:19,970,936, G>A. VCF-style: chr20-19970936-G-A. GRCh37 (hg19) VCF-style: chr20-19951580-G-A.
Other names: c.10+7G>A (NM_001378238.1); c.775+7G>A (NM_001242581.2).
Identifiers: ClinVar variation 513321 (VCV000513321.12), dbSNP rs370585631, ClinGen allele CA9779882.